The following is an entry in ClinVar:

ClinVar aggregate classification (germline): Benign (1 of 4 stars; one submission).

Conditions:
Congenital contractural arachnodactyly (CCA). Also called: BEALS SYNDROME; Beals-Hecht syndrome; Arthrogryposis, distal, type 9. Identifiers: Orphanet 115, MedGen C0220668, MONDO:0007363, OMIM 121050.

Allele frequency attached by ClinVar (database versions not stated): gnomAD 0.97464 and 0.97499; gnomAD exomes 0.97701; TOPMed 0.97876; 1000 Genomes Project 0.98562; 1000 Genomes Project 30x 0.98579.

Submission:

Illumina Laboratory Services, Illumina
Classification: Benign for Congenital contractural arachnodactyly. Last evaluated: 2018-01-13. Review status: criteria provided, single submitter. Criteria: ICSL Variant Classification Criteria 13 December 2019. Collection method: clinical testing. Allele origin: germline.
Comment: This variant was observed in the ICSL laboratory as part of a predisposition screen in an ostensibly healthy population. It had not been previously curated by ICSL or reported in the Human Gene Mutation Database (HGMD: prior to June 1st, 2018), and was therefore a candidate for classification through an automated scoring system. Utilizing variant allele frequency, disease prevalence and penetrance estimates, and inheritance mode, an automated score was calculated to assess if this variant is too frequent to cause the disease. Based on the score and internal cut-off values, a variant classified as benign is not then subjected to further curation. The score for this variant resulted in a classification of benign for this disease.

NM_001999.4(FBN2):c.*635A>G

Gene: FBN2 (fibrillin 2; minus strand). Cytogenetic location: 5q23.3.
Variant type: single nucleotide variant.
Coding change: c.*635A>G on transcript NM_001999.4 (MANE Select); 635 bases downstream of the stop codon, A replaced by G.
Molecular consequence: 3 prime UTR variant.
Genome position (GRCh38, 1-based): chr5:128,258,820, T>C on the plus strand (A>G on the coding strand, the complement: FBN2 is on the minus strand). VCF-style: chr5-128258820-T-C. GRCh37 (hg19) VCF-style: chr5-127594512-T-C.
Identifiers: ClinVar variation 350743 (VCV000350743.5), dbSNP rs27858, ClinGen allele CA10618977.